The following is an entry in ClinVar:

NM_004999.4(MYO6):c.1264G>A (p.Ala422Thr)

Gene: MYO6 (myosin VI; plus strand). Cytogenetic location: 6q14.1.
Variant type: single nucleotide variant.
Coding change: c.1264G>A on transcript NM_004999.4 (MANE Select); coding-DNA position 1264, G replaced by A.
Protein change: p.Ala422Thr; replaces alanine 422 with threonine.
Molecular consequence: missense variant. On other transcripts: non-coding transcript variant (1).
Genome position (GRCh38, 1-based): chr6:75,857,137, G>A. VCF-style: chr6-75857137-G-A. GRCh37 (hg19) VCF-style: chr6-76566854-G-A.
Other names: c.1264G>A, p.Ala422Thr (NM_001300899.2, NM_001368136.1, NM_001368137.1 and 2 more transcripts); c.1249G>A, p.Ala417Thr (NM_001368138.1); short protein forms A417T, A422T.
Identifiers: ClinVar variation 667278 (VCV000667278.4), dbSNP rs1583287198, ClinGen allele CA364759508.

ClinVar aggregate classification (germline): Uncertain significance (1 of 4 stars; one submission).

Submission:

Laboratory for Molecular Medicine, Mass General Brigham Personalized Medicine
Classification: Uncertain significance. Last evaluated: 2018-04-12. Review status: criteria provided, single submitter. Criteria: LMM Criteria. Collection method: clinical testing. Allele origin: germline. Observed: 1 variant allele.
Comment: The p.Ala422Thr variant in MYO6 has not been previously reported in individuals hearing loss and was absent from large population studies. Computational predict ion tools and conservation analysis suggest that this variant may impact the pro tein, though this information is not predictive enough to determine pathogenicit y. In summary, the clinical significance of the p.Ala422Thr variant is uncertain . ACMG/AMP Criteria applied: PM2; PP3.